The following is an entry in ClinVar:

ClinVar aggregate classification (germline): Uncertain significance. Review status: criteria provided, multiple submitters, no conflicts (2 of 4 stars). 6 submissions from 6 submitters: Uncertain significance (5). 1 of the submissions does not count toward it. Last evaluated 2024-08-07.

Conditions:
Sitosterolemia 2. Identifiers: MedGen C5231453, MONDO:0020748, OMIM 618666.
ABCG5-related disorder. Also called: ABCG5-related condition.
Sitosterolemia (STSL). Also called: PHYTOSTEROLEMIA. Identifiers: Orphanet 2882, MedGen C0342907, MONDO:0008863.

Allele frequency attached by ClinVar (database versions not stated): gnomAD 0.00004 and 0.00005; gnomAD exomes 0.00004 and 0.00009; TOPMed 0.00004; ExAC 0.00013; 1000 Genomes Project 30x 0.00016; 1000 Genomes Project 0.00020.
gnomAD v4.1: 71 of 1,550,016 alleles (0.0046%); highest among the groups gnomAD compares: Middle Eastern, 0.087%; no homozygotes.

Submissions (6):

Women's Health and Genetics/Laboratory Corporation of America, LabCorp
Classification: Uncertain significance. Last evaluated: 2024-08-07. Review status: criteria provided, single submitter. Criteria: LabCorp Variant Classification Summary - May 2015. Collection method: clinical testing. Allele origin: germline.
Comment: Variant summary: ABCG5 c.392A>G (p.Tyr131Cys) results in a non-conservative amino acid change located in the ABC-2 type transporter, transmembrane domain (IPR013525) of the encoded protein sequence. Five of five in-silico tools predict a damaging effect of the variant on protein function. The variant allele was found at a frequency of 9.2e-05 in 152038 control chromosomes. This frequency is not significantly higher than estimated for a pathogenic variant in ABCG5 causing Early Onset Coronary Artery Disease (9.2e-05 vs 0.005), allowing no conclusion about variant significance. c.392A>G has been reported in the literature in individuals affected with Familial Hypercholesterolemia (Reeskamp_2020). These report(s) do not provide unequivocal conclusions about association of the variant with Early Onset Coronary Artery Disease. To our knowledge, no experimental evidence demonstrating an impact on protein function has been reported. The following publication have been ascertained in the context of this evaluation (PMID: 32088153). ClinVar contains an entry for this variant (Variation ID: 594497). Based on the evidence outlined above, the variant was classified as uncertain significance.

Labcorp Genetics (formerly Invitae), Labcorp
Classification: Uncertain significance for Sitosterolemia. Last evaluated: 2024-01-03. Review status: criteria provided, single submitter. Criteria: Invitae Variant Classification Sherloc (09022015). Collection method: clinical testing. Allele origin: germline.
Comment: This sequence change replaces tyrosine, which is neutral and polar, with cysteine, which is neutral and slightly polar, at codon 131 of the ABCG5 protein (p.Tyr131Cys). This variant is present in population databases (rs569748582, gnomAD 0.03%). This missense change has been observed in individual(s) with familial hypercholesterolemia (PMID: 32088153). ClinVar contains an entry for this variant (Variation ID: 594497). An algorithm developed to predict the effect of missense changes on protein structure and function (PolyPhen-2) suggests that this variant is likely to be disruptive. In summary, the available evidence is currently insufficient to determine the role of this variant in disease. Therefore, it has been classified as a Variant of Uncertain Significance.

Revvity Omics, Revvity
Classification: Uncertain significance for Sitosterolemia 2. Last evaluated: 2022-03-21. Review status: criteria provided, single submitter. Criteria: ACMG Guidelines, 2015. Collection method: clinical testing. Allele origin: germline.

Institute of Human Genetics, University of Leipzig Medical Center
Classification: Uncertain significance for Sitosterolemia 2. Last evaluated: 2019-01-01. Review status: criteria provided, single submitter. Criteria: ACMG Guidelines, 2015. Collection method: clinical testing. Allele origin: germline. Affected: yes.

Eurofins Ntd Llc (ga)
Classification: Uncertain significance. Last evaluated: 2017-10-11. Review status: criteria provided, single submitter. Criteria: EGL Classification Definitions 2015. Collection method: clinical testing. Allele origin: germline. Observed: 1 variant allele, 1 heterozygote.

PreventionGenetics, part of Exact Sciences
Classification: Uncertain significance for ABCG5-related condition. Last evaluated: 2024-04-11. Review status: no assertion criteria provided. Collection method: clinical testing. Allele origin: germline. Not counted in ClinVar's aggregate classification.
Comment: The ABCG5 c.392A>G variant is predicted to result in the amino acid substitution p.Tyr131Cys. This variant was reported in an individual with Reduced plasma LDL-C levels (Reeskamp et al 2020. PubMed ID: 32088153). This variant is reported in 0.031% of alleles in individuals of South Asian descent in gnomAD. At this time, the clinical significance of this variant is uncertain due to the absence of conclusive functional and genetic evidence.

Literature cited by the submitters: PubMed 32088153 (cited by Women's Health and Genetics/Laboratory Corporation of America, LabCorp and Labcorp Genetics (formerly Invitae), Labcorp).

NM_022436.3(ABCG5):c.392A>G (p.Tyr131Cys)

Gene: ABCG5 (ATP binding cassette subfamily G member 5; minus strand). Cytogenetic location: 2p21.
Variant type: single nucleotide variant.
Coding change: c.392A>G on transcript NM_022436.3 (MANE Select); coding-DNA position 392, A replaced by G.
Protein change: p.Tyr131Cys; replaces tyrosine 131 with cysteine.
Molecular consequence: missense variant.
Genome position (GRCh38, 1-based): chr2:43,831,957, T>C on the plus strand (A>G on the coding strand, the complement: ABCG5 is on the minus strand). VCF-style: chr2-43831957-T-C. GRCh37 (hg19) VCF-style: chr2-44059096-T-C.
Other names: short protein forms Y131C.
Identifiers: ClinVar variation 594497 (VCV000594497.18), dbSNP rs569748582, ClinGen allele CA1636702.
Genomic context (GRCh38, chr2:43,831,957, plus strand): 5'-TAAGCCCCCGGGGCGGGCGGGGGGGCCAGGGGTGTGGGGGACGCGCCCACCTGCAGGACG[T>C]AGGAGAAGCAGTCCTGGAACTGCTCCCGGCGCAGCGCCCGGCCGTTCACATACACCTCCC-3'
Protein context (NP_071881.1, residues 121-141): RREQFQDCFS[Tyr131Cys]VLQSDTLLSS